The following is an entry in ClinVar:

ClinVar aggregate classification (germline): Benign/Likely benign. Review status: criteria provided, multiple submitters, no conflicts (2 of 4 stars). 3 submissions from 3 submitters: Benign (1); Likely benign (2). Last evaluated 2026-09-01.

Allele frequency attached by ClinVar (database versions not stated): 1000 Genomes Project 0.00180; 1000 Genomes Project 30x 0.00203; gnomAD 0.00379 and 0.00386; gnomAD exomes 0.00388 and 0.00577; ExAC 0.00392; TOPMed 0.00429; ESP Exome Variant Server 0.00521.
gnomAD v4.1: 8,885 of 1,613,760 alleles (0.55%); highest among the groups gnomAD compares: Non-Finnish European, 0.69%; 47 homozygotes.

Submissions (3):

CeGaT Center for Human Genetics Tuebingen
Classification: Likely benign. Last evaluated: 2026-09-01. Review status: criteria provided, single submitter. Criteria: CeGaT Center For Human Genetics Tuebingen Variant Classification Criteria Version 2. Collection method: clinical testing. Allele origin: germline. Affected: yes. Observed: 11 variant alleles.
Comment: TUBGCP4: BP4, BS2

Labcorp Genetics (formerly Invitae), Labcorp
Classification: Benign. Last evaluated: 2026-02-01. Review status: criteria provided, single submitter. Criteria: Invitae Variant Classification Sherloc (09022015). Collection method: clinical testing. Allele origin: germline.

Genetic Services Laboratory, University of Chicago
Classification: Likely benign. Last evaluated: 2016-09-22. Review status: criteria provided, single submitter. Criteria: ACMG Guidelines, 2015. Collection method: clinical testing. Allele origin: germline. Affected: no.

NM_014444.5(TUBGCP4):c.1065+7G>A

Gene: TUBGCP4 (tubulin gamma complex component 4; plus strand). Cytogenetic location: 15q15.3.
Variant type: single nucleotide variant.
Coding change: c.1065+7G>A on transcript NM_014444.5 (MANE Select); 7 bases into the intron after coding-DNA position 1065, G replaced by A.
Molecular consequence: intron variant.
Genome position (GRCh38, 1-based): chr15:43,395,164, G>A. VCF-style: chr15-43395164-G-A. GRCh37 (hg19) VCF-style: chr15-43687362-G-A.
Other names: c.1065+7G>A (NM_001286414.3).
Identifiers: ClinVar variation 437137 (VCV000437137.49), dbSNP rs117773969, ClinGen allele CA7523979.